The following is an entry in ClinVar:

ClinVar aggregate classification (germline): Uncertain significance (1 of 4 stars; one submission).

Submission:

CeGaT Center for Human Genetics Tuebingen
Classification: Uncertain significance. Last evaluated: 2022-07-01. Review status: criteria provided, single submitter. Criteria: CeGaT Center For Human Genetics Tuebingen Variant Classification Criteria Version 2. Collection method: clinical testing. Allele origin: germline. Affected: yes. Observed: 1 variant allele.
Comment: KIF1A: PM2, PM4

NM_001244008.2(KIF1A):c.5334-1_5338dup

Gene: KIF1A (kinesin family member 1A; minus strand). Cytogenetic location: 2q37.3.
Variant type: Duplication.
Coding change: c.5334-1_5338dup on transcript NM_001244008.2 (MANE Select); the canonical splice acceptor site of the intron before coding-DNA position 5334 through coding-DNA position 5338, 6 bases duplicated (GGTCCA; older notation c.5334-1_5338dupGGTCCA).
Molecular consequence: splice acceptor variant.
Genome position (GRCh38, 1-based): chr2:240,717,402-240,717,407, TGGACC duplicated on the plus strand (GGTCCA on the coding strand, the reverse complement: KIF1A is on the minus strand); duplicating any 6 consecutive bases within chr2:240,717,402-240,717,409 gives the same sequence; the c. name uses the placement nearest the transcript's 3' end. VCF-style (leftmost placement, unchanged base first): chr2-240717401-T-TTGGACC. GRCh37 (hg19) VCF-style: chr2-241656818-T-TTGGACC.
Other names: c.5031-1_5035dup (NM_001379653.1, NM_001379650.1, NM_004321.8 and 1 more transcripts); c.5307-1_5311dup (NM_001379645.1, NM_001379633.1); c.5157-1_5161dup (NM_001379635.1, NM_001379646.1); c.5028-1_5032dup (NM_001379640.1); c.4995-1_4999dup (NM_001379641.1); c.5055-1_5059dup (NM_001379639.1); c.5058-1_5062dup (NM_001379649.1, NM_001320705.2); c.5145-1_5149dup (NM_001379636.1); and 8 more.
Identifiers: ClinVar variation 2652094 (VCV002652094.24), dbSNP rs2536551082, ClinGen allele CA2695197705.